The following is an entry in ClinVar:

ClinVar aggregate classification (germline): Benign. Review status: criteria provided, single submitter (1 of 4 stars). 2 submissions from 2 submitters: Benign (1). 1 of the submissions does not count toward it. Last evaluated 2025-09-08.

Conditions:
RBPJ-related disorder. Also called: RBPJ-related condition.

Allele frequency attached by ClinVar (database versions not stated): gnomAD 0.00002; ExAC 0.00018; 1000 Genomes Project 0.00020; 1000 Genomes Project 30x 0.00031.
gnomAD v4.1: 115 of 1,559,786 alleles (0.0074%); highest among the groups gnomAD compares: South Asian, 0.13%; no homozygotes.

Submissions (2):

Labcorp Genetics (formerly Invitae), Labcorp
Classification: Benign. Last evaluated: 2025-09-08. Review status: criteria provided, single submitter. Criteria: Invitae Variant Classification Sherloc (09022015). Collection method: clinical testing. Allele origin: germline.

PreventionGenetics, part of Exact Sciences
Classification: Likely benign for RBPJ-related condition. Last evaluated: 2019-07-19. Review status: no assertion criteria provided. Collection method: clinical testing. Allele origin: germline. Not counted in ClinVar's aggregate classification.
Comment: This variant is classified as likely benign based on ACMG/AMP sequence variant interpretation guidelines (Richards et al. 2015 PMID: 25741868, with internal and published modifications).

NM_015874.6(RBPJ):c.156-9A>T

Gene: RBPJ (recombination signal binding protein for immunoglobulin kappa J region; plus strand). Cytogenetic location: 4p15.2.
Variant type: single nucleotide variant.
Coding change: c.156-9A>T on transcript NM_015874.6 (MANE Select); 9 bases into the intron before coding-DNA position 156, A replaced by T.
Molecular consequence: intron variant.
Genome position (GRCh38, 1-based): chr4:26,415,466, A>T. VCF-style: chr4-26415466-A-T. GRCh37 (hg19) VCF-style: chr4-26417088-A-T.
Other names: c.153-9A>T (NM_001374401.1, NM_001379407.1, NM_001379406.1 and 3 more transcripts); c.195-9A>T (NM_005349.4, NM_001379408.1, NM_001374400.1 and 1 more transcripts); c.90-9A>T (NM_203283.5, NM_001363577.2); c.150-9A>T (NM_001379409.1).
Identifiers: ClinVar variation 1900333 (VCV001900333.6), dbSNP rs529513495, ClinGen allele CA2881306.
Genomic context (GRCh38, chr4:26,415,466, plus strand): 5'-AAGGAAATGCTTTATTGAATCTAATTGATTTTTGCTTCTTGTTTTTTTTTTTCCCCTATT[A>T]TTCTTCAGGTTTTTTTGCCCACCTCCTTGTGTATATCTTATGGGCAGTGGATGGAAGAAA-3'